The following is an entry in ClinVar:

ClinVar aggregate classification (germline): Uncertain significance (1 of 4 stars; one submission).

Submission:

GeneDx
Classification: Uncertain significance. Last evaluated: 2024-12-11. Review status: criteria provided, single submitter. Criteria: GeneDx Variant Classification Process June 2021. Collection method: clinical testing. Allele origin: germline. Affected: yes.
Comment: Not observed at significant frequency in large population cohorts (gnomAD); Canonical splice site variant with an unclear effect on protein function; Has not been previously published as pathogenic or benign to our knowledge

NM_032482.3(DOT1L):c.4606+1G>A

Gene: DOT1L (DOT1 like histone lysine methyltransferase; plus strand). Cytogenetic location: 19p13.3.
Variant type: single nucleotide variant.
Coding change: c.4606+1G>A on transcript NM_032482.3 (MANE Select); the canonical splice donor site of the intron after coding-DNA position 4606, G replaced by A.
Molecular consequence: splice donor variant.
Genome position (GRCh38, 1-based): chr19:2,227,128, G>A. VCF-style: chr19-2227128-G-A. GRCh37 (hg19) VCF-style: chr19-2227127-G-A.
Other names: c.4606+1G>A (NM_001411141.1).
Identifiers: ClinVar variation 3903308 (VCV003903308.1).
Genomic context (GRCh38, chr19:2,227,128, plus strand): 5'-GACTGACCAACTCGCACGCCATGGGCAGCTTTTCCGGGGTGGCAGGCGGCACAGTTGGAG[G>A]TAGGCAGGGCGGCCGTCCGTCCGCCCCCCGCCCCGGCCCCCGCCGGAGGCCCCTTCCTTT-3'